The following is an entry in ClinVar:

NM_000051.4(ATM):c.7307+18A>C

Genes: ATM (ATM serine/threonine kinase; plus strand), C11orf65 (chromosome 11 open reading frame 65; minus strand). Cytogenetic location: 11q22.3.
Variant type: single nucleotide variant.
Coding change: c.7307+18A>C on transcript NM_000051.4 (MANE Select); 18 bases into the intron after coding-DNA position 7307, A replaced by C.
Molecular consequence: intron variant.
Genome position (GRCh38, 1-based): chr11:108,329,256, A>C. VCF-style: chr11-108329256-A-C. GRCh37 (hg19) VCF-style: chr11-108199983-A-C.
Other names: c.7307+18A>C (NM_001351834.2); c.641-20185T>G (NM_001330368.2); c.*38+5964T>G (NM_001351110.2).
Identifiers: ClinVar variation 490694 (VCV000490694.11), dbSNP rs777909508, ClinGen allele CA228415513.

ClinVar aggregate classification (germline): Likely benign. Review status: criteria provided, multiple submitters, no conflicts (2 of 4 stars). 3 submissions from 3 submitters: Likely benign (3). Last evaluated 2026-01-04.

Conditions:
Hereditary cancer-predisposing syndrome. Also called: Hereditary Cancer Syndrome; Neoplastic Syndromes, Hereditary; Tumor predisposition; Hereditary neoplastic syndrome. Identifiers: Orphanet 140162, MedGen C0027672, MeSH D009386, MONDO:0015356.
Ataxia-telangiectasia syndrome (AT). Also called: Cerebello-oculocutaneous telangiectasia; Immunodeficiency with ataxia telangiectasia; Ataxia-telangiectasia, complementation group E; Ataxia-telangiectasia, complementation group D; AT, COMPLEMENTATION GROUP C; ATAXIA-TELANGIECTASIA, COMPLEMENTATION GROUP A. Identifiers: Orphanet 100, MedGen C0004135, MONDO:0008840, OMIM 208900.

Allele frequency attached by ClinVar (database versions not stated): gnomAD exomes 0.00001; TOPMed 0.00001.
gnomAD v4.1: 10 of 1,593,942 alleles (0.00063%); highest among the groups gnomAD compares: Admixed American, 0.013%; no homozygotes.

Submissions (3):

Labcorp Genetics (formerly Invitae), Labcorp
Classification: Likely benign for Ataxia-telangiectasia syndrome. Last evaluated: 2026-01-04. Review status: criteria provided, single submitter. Criteria: Invitae Variant Classification Sherloc (09022015). Collection method: clinical testing. Allele origin: germline.

GeneDx
Classification: Likely benign. Last evaluated: 2017-05-19. Review status: criteria provided, single submitter. Criteria: GeneDx Variant Classification (06012015). Collection method: clinical testing. Allele origin: germline. Affected: yes.
Comment: This variant is considered likely benign or benign based on one or more of the following criteria: it is a conservative change, it occurs at a poorly conserved position in the protein, it is predicted to be benign by multiple in silico algorithms, and/or has population frequency not consistent with disease.

Color Diagnostics, LLC DBA Color Health
Classification: Likely benign for Hereditary cancer-predisposing syndrome. Last evaluated: 2017-03-13. Review status: criteria provided, single submitter. Criteria: ACMG Guidelines, 2015. Collection method: clinical testing. Allele origin: germline.